The following is an entry in ClinVar:

NM_203447.4(DOCK8):c.494C>T (p.Ser165Leu)

Gene: DOCK8 (dedicator of cytokinesis 8; plus strand). Cytogenetic location: 9p24.3.
Variant type: single nucleotide variant.
Coding change: c.494C>T on transcript NM_203447.4 (MANE Select); coding-DNA position 494, C replaced by T.
Protein change: p.Ser165Leu; replaces serine 165 with leucine.
Molecular consequence: missense variant.
Genome position (GRCh38, 1-based): chr9:304,670, C>T. VCF-style: chr9-304670-C-T. GRCh37 (hg19) VCF-style: chr9-304670-C-T.
Other names: c.290C>T, p.Ser97Leu (NM_001190458.2, NM_001193536.2); short protein forms S165L, S97L.
Identifiers: ClinVar variation 366541 (VCV000366541.61), dbSNP rs146490788, ClinGen allele CA4957259.
Genomic context (GRCh38, chr9:304,670, plus strand): 5'-TTAAAAAGACTGGATCTCGAAAAGATTTTCACAAGACGCTTCCGAAACAGACGTTTGAGT[C>T]GGAAACCTTGGAGTGCAGTGAACCCGCTGCTCAGGTATTTCCTGTCAACAAACATGGTTA-3'
Protein context (NP_982272.2, residues 155-175): HKTLPKQTFE[Ser165Leu]ETLECSEPAA

ClinVar aggregate classification (germline): Conflicting classifications of pathogenicity. Review status: criteria provided, conflicting classifications (1 of 4 stars). 8 submissions from 8 submitters: Uncertain significance (4); Likely benign (2). 2 of the submissions do not count toward it. Last evaluated 2026-08-01.

Conditions:
Combined immunodeficiency due to DOCK8 deficiency (HIES2). Also called: Hyper-IgE recurrent infection syndrome, autosomal recessive; HYPER-IgE SYNDROME 2, AUTOSOMAL RECESSIVE, WITH RECURRENT INFECTIONS; HYPER-IgE RECURRENT INFECTION SYNDROME 2, AUTOSOMAL RECESSIVE; DOCK8 Deficiency; HIES autosomal recessive. Identifiers: Orphanet 217390, MedGen C4722305, MONDO:0009478, OMIM 243700.

Allele frequency attached by ClinVar (database versions not stated): TOPMed 0.00055; gnomAD 0.00058 and 0.00061; ESP Exome Variant Server 0.00077; gnomAD exomes 0.00077.
gnomAD v4.1: 1,194 of 1,613,980 alleles (0.074%); highest among the groups gnomAD compares: Non-Finnish European, 0.091%; 3 homozygotes.

Submissions (8):

CeGaT Center for Human Genetics Tuebingen
Classification: Likely benign. Last evaluated: 2026-08-01. Review status: criteria provided, single submitter. Criteria: CeGaT Center For Human Genetics Tuebingen Variant Classification Criteria Version 2. Collection method: clinical testing. Allele origin: germline. Affected: yes. Observed: 3 variant alleles.
Comment: DOCK8: BS2

Labcorp Genetics (formerly Invitae), Labcorp
Classification: Likely benign for Combined immunodeficiency due to DOCK8 deficiency. Last evaluated: 2026-01-20. Review status: criteria provided, single submitter. Criteria: Invitae Variant Classification Sherloc (09022015). Collection method: clinical testing. Allele origin: germline.

Center for Genomics, Ann and Robert H. Lurie Children's Hospital of Chicago
Classification: Uncertain significance for Combined immunodeficiency due to DOCK8 deficiency. Last evaluated: 2021-03-30. Review status: criteria provided, single submitter. Criteria: ACMG Guidelines, 2015. Collection method: clinical testing. Allele origin: germline.
Comment: DOCK8 NM_203447 exon 5 p.Ser165Leu (c.494C>T): This variant has not been reported in the literature but is present in 0.2% (28/10150) of Ashkenazi Jewish alleles, including 1 homozygote in the Genome Aggregation Database. This variant is present in ClinVar (Variation ID:366541). Evolutionary conservation and computational predictive tools for this variant are unclear. In summary, data on this variant is insufficient for disease classification. Therefore, the clinical significance of this variant is uncertain.

GeneDx
Classification: Uncertain significance. Last evaluated: 2021-03-19. Review status: criteria provided, single submitter. Criteria: GeneDx Variant Classification Process June 2021. Collection method: clinical testing. Allele origin: germline. Affected: yes.
Comment: In silico analysis supports that this missense variant has a deleterious effect on protein structure/function; This variant is associated with the following publications: (PMID: 32084423)

New York Genome Center
Classification: Uncertain significance for Combined immunodeficiency due to DOCK8 deficiency. Last evaluated: 2020-07-09. Review status: criteria provided, single submitter. Criteria: NYGC Assertion Criteria 2020. Collection method: clinical testing. Allele origin: inherited. Observed: 1 heterozygote. Study: CSER-NYCKidSeq.

Illumina Laboratory Services, Illumina
Classification: Uncertain significance for Combined immunodeficiency due to DOCK8 deficiency. Last evaluated: 2018-01-13. Review status: criteria provided, single submitter. Criteria: ICSL Variant Classification Criteria 13 December 2019. Collection method: clinical testing. Allele origin: germline.

Clinical Genetics DNA and cytogenetics Diagnostics Lab, Erasmus MC, Erasmus Medical Center
Classification: Likely benign. Review status: no assertion criteria provided. Collection method: clinical testing. Allele origin: germline. Affected: yes. Study: VKGL Data-share Consensus. Not counted in ClinVar's aggregate classification.

Genome Diagnostics Laboratory, University Medical Center Utrecht
Classification: Likely benign. Review status: no assertion criteria provided. Collection method: clinical testing. Allele origin: germline. Affected: yes. Study: VKGL Data-share Consensus. Not counted in ClinVar's aggregate classification.